The following is an entry in ClinVar:

NM_000132.4(F8):c.1834C>T (p.Arg612Cys)

Gene: F8 (coagulation factor VIII; minus strand). Cytogenetic location: Xq28.
Variant type: single nucleotide variant.
Coding change: c.1834C>T on transcript NM_000132.4 (MANE Select); coding-DNA position 1834, C replaced by T.
Protein change: p.Arg612Cys; replaces arginine 612 with cysteine.
Molecular consequence: missense variant.
Genome position (GRCh38, 1-based): chrX:154,953,961, G>A on the plus strand (C>T on the coding strand, the complement: F8 is on the minus strand). VCF-style: chrX-154953961-G-A. GRCh37 (hg19) VCF-style: chrX-154182236-G-A.
Other names: F8, ARG593CYS; R593C; NM_000132.4(F8):c.1834C>T; short protein forms R612C.
Identifiers: ClinVar variation 10236 (VCV000010236.47), dbSNP rs137852428, ClinGen allele CA255129.

ClinVar aggregate classification (germline): Pathogenic. Review status: reviewed by expert panel (3 of 4 stars). 17 submissions from 16 submitters: Pathogenic (1). 16 of the submissions do not count toward it. Last evaluated 2024-02-09.

Conditions:
F8-related disorders.
Thrombophilia, X-linked, due to factor 8 defect. Also called: Thrombophilia 13, X-linked, due to factor VIII defect; THROMBOPHILIA, X-LINKED, DUE TO FACTOR VIII DEFECT. Identifiers: MedGen C5676879, MONDO:0859082, OMIM 301071.
Hereditary factor VIII deficiency disease (HEMA). Also called: AUTOSOMAL HEMOPHILIA A; Hemophilia A, congenital; HEM A; Factor 8 deficiency, congenital; Hemophilia A; HEMOPHILIA, CLASSIC. Identifiers: Orphanet 98878, MedGen C0019069, MONDO:0010602, OMIM 306700.
Factor VIII deficiency. Identifiers: MedGen C3494187, OMIM 134500.
Familial aortopathy. Identifiers: MedGen CN078214.
Hereditary factor IX deficiency disease (HEMB). Also called: F9 DEFICIENCY; FACTOR IX DEFICIENCY; Christmas Disease; PLASMA THROMBOPLASTIN COMPONENT DEFICIENCY; Hemophilia B. Identifiers: Orphanet 98879, MedGen C0008533, MeSH D002836, MONDO:0010604, OMIM 306900.

Allele frequency attached by ClinVar (database versions not stated): gnomAD 0.00001; gnomAD exomes 0.00002 and 0.00001; ExAC 0.00001.
gnomAD v4.1: 12 of 1,209,599 alleles (0.00099%); highest among the groups gnomAD compares: Admixed American, 0.0066%; no homozygotes.

Submissions 1 to 9 of 17:

ClinGen Coagulation Factor Deficiency Variant Curation Expert Panel, Clingen
Classification: Pathogenic for Hereditary factor VIII deficiency disease. Last evaluated: 2024-02-09. Review status: reviewed by expert panel. Criteria: ClinGen CoagFactor ACMG Specifications F8 V1.0.0. Collection method: curation. Allele origin: germline. Inheritance: X-linked inheritance.
Comment: The c.1834C>T (p.Arg612Cys) variant is present in 3 hemizygotes in gnomAD v2.1.1, so PM2_Supporting in not met. The REVEL score of 0.88 which meets PP3 criteria (threshold >0.6). Thirty-two patients were reported with mild-moderate hemophilia A in a single publication and over 100 individuals were identified in the My Life Our Future Cohort, meeting F8 phenotype criteria for PP4_Moderate and PS4_Very strong (PMID: 18691168, 29296726). This variant has been associated with mostly mild, but also moderate and severe, hemophilia A with and without inhibitors to factor replacement therapies. This may be in part because the variant has also been associated with discrepant factor VIII activity levels, with chromogenic assays (two-stage) being 2-fold lower than one stage assays (EAHAD database; PMID: 32232366). The variant has been reported to segregate with hemophilia A in greater than 6 meioses across two families (PP1_Strong; PMID: 9292523). This variant has also been found to have at least one de novo occurrence in the mother of a proband, where the proband was found to have the unaffected maternal grandfather's allele via haplotype analysis (PS2; PMID: 9292523). Additionally, this variant has been reported in patients with and without a history of inhibitors to factor replacement products (EAHAD database). In summary, this variant meets criteria to be classified as pathogenic. ACMG/AMP criteria applied, as specified by the Coagulation Factor Deficiency Variant Curation Expert Panel for F8: PS2, PS4_Very strong, PP1_Strong, PP3 and PP4_Moderate.

CeGaT Center for Human Genetics Tuebingen
Classification: Pathogenic. Last evaluated: 2026-09-01. Review status: criteria provided, single submitter. Criteria: CeGaT Center For Human Genetics Tuebingen Variant Classification Criteria Version 2. Collection method: clinical testing. Allele origin: germline. Affected: yes. Observed: 1 variant allele. Not counted in ClinVar's aggregate classification.
Comment: F8: PS4, PM5, PM6, PP4:Moderate

GeneDx
Classification: Pathogenic. Last evaluated: 2026-02-10. Review status: criteria provided, single submitter. Criteria: GeneDx Variant Classification Process June 2021. Collection method: clinical testing. Allele origin: germline. Affected: yes. Not counted in ClinVar's aggregate classification.
Comment: Published functional studies demonstrate that R612C reduces factor VIII activity, and leads to intracellular accumulation and subsequent degradation of the F8 protein (PMID: 10691849); In silico analysis supports that this missense variant has a deleterious effect on protein structure/function; This variant is associated with the following publications: (PMID: 12195713, 11858487, 7794769, 8281136, 35014236, 31064749, 1908096, 7728145, 15682412, 1301932, 9569189, 21251204, 19473423, 11554935, 26057490, 11341489, 10404764, 29296726, 33245802, 32897612, 35047849, 10691849, 37647632, 39033325)

Clinical Genetics Laboratory, Skane University Hospital Lund
Classification: Pathogenic for Hereditary factor VIII deficiency disease. Last evaluated: 2026-01-30. Review status: criteria provided, single submitter. Criteria: ACMG Guidelines, 2015. Collection method: clinical testing. Allele origin: germline. Inheritance: X-linked inheritance. Not counted in ClinVar's aggregate classification.
Comment: The variant has been classified as pathogenic using gene-specific criteria (ClinGen Coagulation Factor Deficiency Expert Panel Specifications to the ACMG/AMP Variant Interpretation Guidelines for F8 Version 2.0.0): PS2, PS4_Very strong, PP1_Strong, PP3, PP4_Moderate.

ARUP Laboratories, Molecular Genetics and Genomics, ARUP Laboratories
Classification: Pathogenic. Last evaluated: 2025-04-16. Review status: criteria provided, single submitter. Criteria: ARUP Molecular Germline Variant Investigation Process 2024. Collection method: clinical testing. Allele origin: germline. Not counted in ClinVar's aggregate classification.
Comment: The F8 c.1834C>T; p.Arg612Cys variant (rs137852428), also known as Arg593Cys, is reported in multiple patients associated with mild or moderate hemophilia (See Factor VIII database and references therein, Antonarakis 1995, Diamond 1992, Higuchi 1991, Markoff 2009, Trampus Bajika 2015). This variant is reported in ClinVar (Variation ID: 10236), and found in the general Latino/Admixed American population with an allele frequency of 0.01% (4/27431 alleles, including 3 hemizygotes) in the Genome Aggregation Database. The arginine at codon 612 is highly conserved and computational analyses predict that this variant is deleterious (REVEL: 0.808). Based on available information, this variant is considered to be pathogenic. References: Factor VIII variant database: Antonarakis SE et al. Molecular etiology of factor VIII deficiency in hemophilia A. Hum Mutat. 1995;5(1):1-22. PMID: 7728145. Diamond C et al. Amino acid substitutions in conserved domains of factor VIII and related proteins: study of patients with mild and moderately severe hemophilia A. Hum Mutat. 1992;1(3):248-57. PMID: 1301932. Higuchi M et al. Molecular characterization of severe hemophilia A suggests that about half the mutations are not within the coding regions and splice junctions of the factor VIII gene. Proc Natl Acad Sci U S A. 1991 Aug 15;88(16):7405-9. PMID: 1908096. Markoff A et al. Combined homology modelling and evolutionary significance evaluation of missense mutations in blood clotting factor VIII to highlight aspects of structure and function. Haemophilia. 2009 Jul;15(4):932-41. PubMed: 19473423. Trampus Bakija A et al. Specific and global coagulation tests in patients with mild haemophilia A with a double mutation (Glu113Asp, Arg593Cys). Blood Transfus. 2015 Oct;13(4):622-30. PubMed: 26057490.

Variantyx, Inc.
Classification: Pathogenic for Hereditary factor VIII deficiency disease. Last evaluated: 2025-03-17. Review status: criteria provided, single submitter. Criteria: Variantyx Assertion Criteria 2022. Collection method: clinical testing. Allele origin: maternal. Inheritance: X-linked recessive inheritance. Not counted in ClinVar's aggregate classification.
Comment: This is a nonsynonymous variant in the F8 gene (OMIM: 300841). Pathogenic variants in this gene have been associated with X-linked hemophilia A. This variant likely occurred de novo in individuals reported in the published literature; however, the possibility of parental germline mosaicism cannot be excluded (PMID: 9292523) (PS2). This variant has been reported in many unrelated affected individuals (PMID: 18691168, 29296726, 9292523) (PS4_Very_Strong), has been observed to segregate with disease in at least 6 individuals from 2 families (PMID: 9292523) (PP1), and has a 0.0066% maximum allele frequency in non-founder control populations. Multiple computational algorithms predict a deleterious effect (REVEL score: 0.808) (PP3). Based on the current evidence, this variant is classified as pathogenic for X-linked hemophilia A.

Mayo Clinic Laboratories, Mayo Clinic
Classification: Pathogenic. Last evaluated: 2025-02-26. Review status: criteria provided, single submitter. Criteria: ACMG Guidelines, 2015. Collection method: clinical testing. Allele origin: germline. Observed: 15 variant alleles. Not counted in ClinVar's aggregate classification.
Comment: PP1_strong, PP3_moderate, PP5, PM2_supporting, PM3_supporting, PS3, PS4_moderate

North West Genomic Laboratory Hub, Manchester University NHS Foundation Trust
Classification: Pathogenic for Factor VIII deficiency. Last evaluated: 2024-09-24. Review status: criteria provided, single submitter. Criteria: ACGS Best Practice Guidelines for Variant Classification in Rare Disease 2020. Collection method: clinical testing. Allele origin: germline. Affected: yes. Not counted in ClinVar's aggregate classification.
Comment: PM5_Supp PP4_Mod PS4_Str PP3_Supp PP1_Str

Women's Health and Genetics/Laboratory Corporation of America, LabCorp
Classification: Pathogenic for Hereditary factor VIII deficiency disease. Last evaluated: 2024-03-08. Review status: criteria provided, single submitter. Criteria: LabCorp Variant Classification Summary - May 2015. Collection method: clinical testing. Allele origin: germline. Not counted in ClinVar's aggregate classification.
Comment: Variant summary: F8 c.1834C>T (p.Arg612Cys) results in a non-conservative amino acid change in the encoded protein sequence. Five of five in-silico tools predict a damaging effect of the variant on protein function. The variant allele was found at a frequency of 2.2e-05 in 183438 control chromosomes (gnomAD). c.1834C>T (also known as Arg593Cys) has been reported in the literature in multiple individuals affected with Factor VIII Deficiency (Hemophilia A) (examples: Eckhardt_2009, and Rosset_2013). These data indicate that the variant is very likely to be associated with disease. The following publications have been ascertained in the context of this evaluation (PMID: 23711237, 19548904). ClinVar contains an entry for this variant (Variation ID: 10236). Based on the evidence outlined above, the variant was classified as pathogenic.